The following is an entry in ClinVar:

ClinVar aggregate classification (germline): Uncertain significance (1 of 4 stars; one submission).

Conditions:
Hereditary cancer-predisposing syndrome. Also called: Tumor predisposition; Hereditary neoplastic syndrome; Neoplastic Syndromes, Hereditary; Hereditary Cancer Syndrome. Identifiers: Orphanet 140162, MedGen C0027672, MeSH D009386, MONDO:0015356.

Submission:

Ambry Genetics
Classification: Uncertain significance for Hereditary cancer-predisposing syndrome. Last evaluated: 2025-04-22. Review status: criteria provided, single submitter. Criteria: Ambry Variant Classification Scheme 2023. Collection method: clinical testing. Allele origin: germline.
Comment: The p.P88S variant (also known as c.262C>T), located in coding exon 5 of the BAP1 gene, results from a C to T substitution at nucleotide position 262. The proline at codon 88 is replaced by serine, an amino acid with similar properties. This amino acid position is conserved. In addition, the in silico prediction for this alteration is inconclusive. Based on the available evidence, the clinical significance of this variant remains unclear.

NM_004656.4(BAP1):c.262C>T (p.Pro88Ser)

Gene: BAP1 (BRCA1 associated deubiquitinase 1; minus strand). Cytogenetic location: 3p21.1.
Variant type: single nucleotide variant.
Coding change: c.262C>T on transcript NM_004656.4 (MANE Select); coding-DNA position 262, C replaced by T.
Protein change: p.Pro88Ser; replaces proline 88 with serine.
Molecular consequence: missense variant.
Genome position (GRCh38, 1-based): chr3:52,408,071, G>A on the plus strand (C>T on the coding strand, the complement: BAP1 is on the minus strand). VCF-style: chr3-52408071-G-A. GRCh37 (hg19) VCF-style: chr3-52442087-G-A.
Other names: c.262C>T, p.Pro88Ser (NM_001410772.1); short protein forms P88S.
Identifiers: ClinVar variation 3986952 (VCV003986952.1).